The following is an entry in ClinVar:

ClinVar aggregate classification (germline): Benign/Likely benign. Review status: criteria provided, multiple submitters, no conflicts (2 of 4 stars). 2 submissions from 2 submitters: Benign (1); Likely benign (1). Last evaluated 2025-03-28.

Allele frequency attached by ClinVar (database versions not stated): TOPMed 0.00005; 1000 Genomes Project 30x 0.00016; gnomAD exomes 0.00026 and 0.00041; ExAC 0.00032; gnomAD 0.00042 and 0.00044.

Submissions (2):

Labcorp Genetics (formerly Invitae), Labcorp
Classification: Benign. Last evaluated: 2025-03-28. Review status: criteria provided, single submitter. Criteria: Invitae Variant Classification Sherloc (09022015). Collection method: clinical testing. Allele origin: germline.

CeGaT Center for Human Genetics Tuebingen
Classification: Likely benign. Last evaluated: 2022-04-01. Review status: criteria provided, single submitter. Criteria: CeGaT Center For Human Genetics Tuebingen Variant Classification Criteria Version 2. Collection method: clinical testing. Allele origin: germline. Affected: yes. Observed: 1 variant allele.
Comment: STAG1: BP4, BS2

NM_005862.3(STAG1):c.3672+4_3672+11del

Gene: STAG1 (STAG1 cohesin complex component; minus strand). Cytogenetic location: 3q22.3.
Variant type: Deletion.
Coding change: c.3672+4_3672+11del on transcript NM_005862.3 (MANE Select); bases 4 to 11 of the intron after coding-DNA position 3672, 8 bases deleted (GAGAAATT; older notation c.3672+4_3672+11delGAGAAATT).
Molecular consequence: intron variant.
Genome position (GRCh38, 1-based): chr3:136,340,480-136,340,487, AATTTCTC deleted on the plus strand (GAGAAATT on the coding strand, the reverse complement: STAG1 is on the minus strand). VCF-style (leftmost placement, unchanged base first): chr3-136340479-GAATTTCTC-G. GRCh37 (hg19) VCF-style: chr3-136059321-GAATTTCTC-G.
Identifiers: ClinVar variation 1695084 (VCV001695084.36), dbSNP rs777089548, ClinGen allele CA2632340.